The following is an entry in ClinVar:

NM_030962.4(SBF2):c.513+17G>C

Gene: SBF2 (SET binding factor 2; minus strand). Cytogenetic location: 11p15.4.
Variant type: single nucleotide variant.
Coding change: c.513+17G>C on transcript NM_030962.4 (MANE Select); 17 bases into the intron after coding-DNA position 513, G replaced by C.
Molecular consequence: intron variant.
Genome position (GRCh38, 1-based): chr11:10,029,748, C>G on the plus strand (G>C on the coding strand, the complement: SBF2 is on the minus strand). VCF-style: chr11-10029748-C-G. GRCh37 (hg19) VCF-style: chr11-10051295-C-G.
Other names: c.513+17G>C (NM_001386342.1, NM_001386339.1).
Identifiers: ClinVar variation 378499 (VCV000378499.25), dbSNP rs73410819, ClinGen allele CA5882106.
Genomic context (GRCh38, chr11:10,029,748, plus strand): 5'-TTCTCCATAAATTAAATTAACTGGAGGAGAGGGGAAGAGGAACAATCCTTCTCCACCTCT[C>G]TTTCTATTCTATTTACCTGAGACCCTCCAGCCGCTGGGACAAGGCAGGCACAAAGGTTTG-3'

ClinVar aggregate classification (germline): Benign/Likely benign. Review status: criteria provided, multiple submitters, no conflicts (2 of 4 stars). 7 submissions from 7 submitters: Benign (5); Likely benign (2). Last evaluated 2026-02-02.

Conditions:
Charcot-Marie-Tooth disease type 4. Also called: Charcot-Marie-Tooth, Type 4; Charcot-Marie-Tooth disease, type IV. Identifiers: Orphanet 64749, MedGen C4082197, MONDO:0018995.
Charcot-Marie-Tooth disease. Also called: Charcot-Marie-Tooth Hereditary Neuropathy; Charcot-Marie-Tooth Neuropathy. Identifiers: Orphanet 166, MedGen C0007959, MONDO:0015626.
Charcot-Marie-Tooth disease type 4B2. Also called: Charcot-Marie-Tooth Neuropathy Type 4B2; CHARCOT-MARIE-TOOTH DISEASE, WITH FOCALLY FOLDED MYELIN SHEATHS, AUTOSOMAL RECESSIVE, TYPE 4B2; CHARCOT-MARIE-TOOTH DISEASE, DEMYELINATING, TYPE 4B2; CMT 4B2. Identifiers: Orphanet 99956, MedGen C1858278, MONDO:0011475, OMIM 604563.

Allele frequency attached by ClinVar (database versions not stated): gnomAD exomes 0.00734; ExAC 0.00747; 1000 Genomes Project 0.01338; 1000 Genomes Project 30x 0.01374; TOPMed 0.01430; gnomAD 0.01454 and 0.01551; ESP Exome Variant Server 0.01532.
gnomAD v4.1: 9,758 of 1,499,248 alleles (0.65%); highest among the groups gnomAD compares: African/African-American, 3.8%; 92 homozygotes.

Submissions (7):

Labcorp Genetics (formerly Invitae), Labcorp
Classification: Benign for Charcot-Marie-Tooth disease type 4. Last evaluated: 2026-02-02. Review status: criteria provided, single submitter. Criteria: Invitae Variant Classification Sherloc (09022015). Collection method: clinical testing. Allele origin: germline.

ARUP Laboratories, Molecular Genetics and Genomics, ARUP Laboratories
Classification: Benign for Charcot-Marie-Tooth disease type 4B2. Last evaluated: 2025-07-17. Review status: criteria provided, single submitter. Criteria: ARUP Molecular Germline Variant Investigation Process 2024. Collection method: clinical testing. Allele origin: germline.

Fulgent Genetics
Classification: Benign for Charcot-Marie-Tooth disease type 4B2. Last evaluated: 2022-03-08. Review status: criteria provided, single submitter. Criteria: ACMG Guidelines, 2015. Collection method: clinical testing. Allele origin: unknown.

Center for Pediatric Genomic Medicine, Children's Mercy Hospital and Clinics
Classification: Likely benign. Last evaluated: 2017-09-06. Review status: criteria provided, single submitter. Criteria: ACMG Guidelines, 2015. Collection method: clinical testing. Allele origin: germline.

GeneDx
Classification: Benign. Last evaluated: 2015-04-08. Review status: criteria provided, single submitter. Criteria: GeneDx Variant Classification (06012015). Collection method: clinical testing. Allele origin: germline. Affected: yes.
Comment: This variant is considered likely benign or benign based on one or more of the following criteria: it is a conservative change, it occurs at a poorly conserved position in the protein, it is predicted to be benign by multiple in silico algorithms, and/or has population frequency not consistent with disease.

Breakthrough Genomics
Classification: Likely benign. Review status: criteria provided, single submitter. Criteria: ACMG Guidelines, 2015. Collection method: not provided. Allele origin: germline. Inheritance: Autosomal recessive inheritance. Affected: yes.

Molecular Genetics Laboratory, London Health Sciences Centre
Classification: Benign for Charcot-Marie-Tooth disease. Review status: criteria provided, single submitter. Criteria: ACMG Guidelines, 2015. Collection method: clinical testing. Allele origin: germline. Affected: yes.